The following is an entry in ClinVar:

ClinVar aggregate classification (germline): Uncertain significance. Review status: criteria provided, multiple submitters, no conflicts (2 of 4 stars). 4 submissions from 4 submitters: Uncertain significance (4). Last evaluated 2026-08-18.

Conditions:
Inborn genetic diseases. Identifiers: MedGen C0950123, MeSH D030342.
NRL-related disorder. Also called: NRL-related condition.

Allele frequency attached by ClinVar (database versions not stated): ExAC below 0.00001; gnomAD 0.00001 and 0.00002; gnomAD exomes 0.00002 and 0.00004; TOPMed 0.00004; 1000 Genomes Project 30x 0.00016.
gnomAD v4.1: 52 of 1,476,220 alleles (0.0035%); highest among the groups gnomAD compares: Non-Finnish European, 0.0043%; no homozygotes.

Submissions (4):

PreventionGenetics, part of Exact Sciences
Classification: Uncertain significance for NRL-related condition. Last evaluated: 2026-08-18. Review status: criteria provided, single submitter. Criteria: ACMG Guidelines, 2015. Collection method: clinical testing. Allele origin: germline.
Comment: The NRL c.620G>A variant is predicted to result in the amino acid substitution p.Arg207His. To our knowledge, this variant has not been reported in the literature. This variant is reported in 0.0060% of alleles in individuals of European (Non-Finnish) descent in gnomAD. At this time, the clinical significance of this variant is uncertain due to the absence of conclusive functional and genetic evidence.

Ambry Genetics
Classification: Uncertain significance for Inborn genetic diseases. Last evaluated: 2025-04-24. Review status: criteria provided, single submitter. Criteria: Ambry Variant Classification Scheme 2023. Collection method: clinical testing. Allele origin: germline.

Labcorp Genetics (formerly Invitae), Labcorp
Classification: Uncertain significance. Last evaluated: 2025-04-07. Review status: criteria provided, single submitter. Criteria: Invitae Variant Classification Sherloc (09022015). Collection method: clinical testing. Allele origin: germline.
Comment: This sequence change replaces arginine, which is basic and polar, with histidine, which is basic and polar, at codon 207 of the NRL protein (p.Arg207His). The frequency data for this variant in the population databases is considered unreliable, as metrics indicate poor data quality at this position in the gnomAD database. This variant has not been reported in the literature in individuals affected with NRL-related conditions. ClinVar contains an entry for this variant (Variation ID: 866708). An algorithm developed to predict the effect of missense changes on protein structure and function (PolyPhen-2) suggests that this variant is likely to be tolerated. In summary, the available evidence is currently insufficient to determine the role of this variant in disease. Therefore, it has been classified as a Variant of Uncertain Significance.

Blueprint Genetics
Classification: Uncertain significance. Last evaluated: 2017-08-15. Review status: criteria provided, single submitter. Criteria: ACMG Guidelines, 2015. Collection method: clinical testing. Allele origin: germline.

NM_001354768.3(NRL):c.620G>A (p.Arg207His)

Genes: NRL (neural retina leucine zipper; minus strand), LOC130055387 (ATAC-STARR-seq lymphoblastoid silent region 5620; plus strand). Cytogenetic location: 14q11.2.
Variant type: single nucleotide variant.
Coding change: c.620G>A on transcript NM_001354768.3 (MANE Select); coding-DNA position 620, G replaced by A.
Protein change: p.Arg207His; replaces arginine 207 with histidine.
Molecular consequence: missense variant.
Genome position (GRCh38, 1-based): chr14:24,081,330, C>T on the plus strand (G>A on the coding strand, the complement: NRL is on the minus strand). VCF-style: chr14-24081330-C-T. GRCh37 (hg19) VCF-style: chr14-24550539-C-T.
Other names: c.620G>A, p.Arg207His (NM_001354769.1, NM_006177.5); c.305G>A, p.Arg102His (NM_001354770.2); short protein forms R102H, R207H.
Identifiers: ClinVar variation 866708 (VCV000866708.11), dbSNP rs748999699, ClinGen allele CA7122818.